The following is an entry in ClinVar:

ClinVar aggregate classification (germline): Likely benign (1 of 4 stars; one submission).

Allele frequency attached by ClinVar (database versions not stated): 1000 Genomes Project 0.00399; 1000 Genomes Project 30x 0.00406; TOPMed 0.00612; gnomAD 0.00630; ExAC 0.00687; ESP Exome Variant Server 0.00810.
gnomAD v4.1: 13,910 of 1,551,758 alleles (0.9%); highest among the groups gnomAD compares: Non-Finnish European, 1%; 90 homozygotes.

Submission:

CeGaT Center for Human Genetics Tuebingen
Classification: Likely benign. Last evaluated: 2023-04-01. Review status: criteria provided, single submitter. Criteria: CeGaT Center For Human Genetics Tuebingen Variant Classification Criteria Version 2. Collection method: clinical testing. Allele origin: germline. Affected: yes. Observed: 2 variant alleles.
Comment: EFCAB8: BP4, BP7, BS2

NM_001143967.2(EFCAB8):c.549G>A (p.Ser183=)

Gene: EFCAB8 (EF-hand calcium binding domain 8; plus strand). Cytogenetic location: 20q11.21.
Variant type: single nucleotide variant.
Coding change: c.549G>A on transcript NM_001143967.2 (MANE Select); coding-DNA position 549, G replaced by A.
Protein change: p.Ser183=; no amino-acid change (serine 183 retained).
Molecular consequence: synonymous variant.
Genome position (GRCh38, 1-based): chr20:32,885,622, G>A. VCF-style: chr20-32885622-G-A. GRCh37 (hg19) VCF-style: chr20-31473428-G-A.
Identifiers: ClinVar variation 2652259 (VCV002652259.24), dbSNP rs139861538, ClinGen allele CA9811283.